The following is an entry in ClinVar:

NM_021222.3(PRUNE1):c.520G>T (p.Gly174Ter)

Gene: PRUNE1 (prune exopolyphosphatase 1; plus strand). Cytogenetic location: 1q21.3.
Variant type: single nucleotide variant.
Coding change: c.520G>T on transcript NM_021222.3 (MANE Select); coding-DNA position 520, G replaced by T.
Protein change: p.Gly174Ter; replaces glycine 174 with a stop codon.
Molecular consequence: nonsense. On other transcripts: 5 prime UTR variant (1), intron variant (1).
Genome position (GRCh38, 1-based): chr1:151,024,795, G>T. VCF-style: chr1-151024795-G-T. GRCh37 (hg19) VCF-style: chr1-150997271-G-T.
Other names: c.-27G>T (NM_001303229.2); c.520G>T, p.Gly174Ter (NM_001303242.2); c.77-2438G>T (NM_001303243.2); short protein forms G174*.
Identifiers: ClinVar variation 402132 (VCV000402132.2), dbSNP rs200618384, ClinGen allele CA16609498.
Genomic context (GRCh38, chr1:151,024,795, plus strand): 5'-GAGAGAATCCTGCAGGGGGCACCAGAGATCTTGGACAGGCAAACTGCAGCCCTTCTGCAT[G>T]GTAAGGGTGGCTTTTGGATTGGGACCTCAGTAGTTCTATTCCTGTCCCTGAGAAGGGAGG-3'

ClinVar aggregate classification (germline): Likely pathogenic. Review status: criteria provided, single submitter (1 of 4 stars). 2 submissions from 2 submitters: Likely pathogenic (1). 1 of the submissions does not count toward it.

Conditions:
Abnormal brain morphology. Also called: Abnormality of brain morphology. Identifiers: MedGen C4021085, HP:0012443.
Neurodevelopmental disorder with microcephaly, hypotonia, and variable brain anomalies (NMIHBA). Identifiers: Orphanet 544469, MedGen C4479566, MONDO:0060490, OMIM 617481.

Allele frequency attached by ClinVar (database versions not stated): gnomAD exomes below 0.00001; gnomAD 0.00001; TOPMed 0.00001.
gnomAD v4.1: 5 of 1,607,924 alleles (0.00031%); highest among the groups gnomAD compares: Non-Finnish European, 0.00042%; no homozygotes.

Submissions (2):

Lupski Lab, Baylor-Hopkins CMG, Baylor College of Medicine
Classification: Likely pathogenic for Abnormal brain morphology. Review status: criteria provided, single submitter. Criteria: Karaca et al. (Neuron 2015). Collection method: research. Allele origin: inherited. Inheritance: Autosomal recessive inheritance. Affected: yes.
Comment: There are 3 more families with similar phenotype

OMIM
Classification: Pathogenic for NEURODEVELOPMENTAL DISORDER WITH MICROCEPHALY, HYPOTONIA, AND VARIABLE BRAIN ANOMALIES. Last evaluated: 2017-09-19. Review status: no assertion criteria provided. Collection method: literature only. Allele origin: germline. Not counted in ClinVar's aggregate classification.

Literature cited by the submitters: PubMed 26539891 (cited by OMIM).